The following is an entry in ClinVar:

ClinVar aggregate classification (germline): Uncertain significance. Review status: criteria provided, multiple submitters, no conflicts (2 of 4 stars). 4 submissions from 4 submitters: Uncertain significance (3). 1 of the submissions does not count toward it. Last evaluated 2025-07-22.

Conditions:
Gorlin syndrome. Also called: Nevoid Basal Cell Carcinoma Syndrome; Basal cell nevus syndrome. Identifiers: Orphanet 377, MedGen C0004779, MONDO:0007187.
Medulloblastoma (MDB). Also called: MEDULLOBLASTOMA PREDISPOSITION SYNDROME; Medulloblastoma, somatic. Identifiers: Orphanet 616, MedGen C0025149, MeSH D008527, MONDO:0007959, OMIM 155255, HP:0002885.
Hereditary cancer-predisposing syndrome. Also called: Tumor predisposition; Hereditary neoplastic syndrome; Neoplastic Syndromes, Hereditary; Hereditary Cancer Syndrome. Identifiers: Orphanet 140162, MedGen C0027672, MeSH D009386, MONDO:0015356.

Allele frequency attached by ClinVar (database versions not stated): gnomAD exomes below 0.00001; gnomAD 0.00001.
gnomAD v4.1: 2 of 1,613,780 alleles (0.00012%); highest among the groups gnomAD compares: Non-Finnish European, 0.00017%; no homozygotes.

Submissions (4):

Labcorp Genetics (formerly Invitae), Labcorp
Classification: Uncertain significance for Gorlin syndrome; Medulloblastoma. Last evaluated: 2025-07-22. Review status: criteria provided, single submitter. Criteria: Invitae Variant Classification Sherloc (09022015). Collection method: clinical testing. Allele origin: germline.
Comment: This sequence change replaces isoleucine, which is neutral and non-polar, with threonine, which is neutral and polar, at codon 291 of the SUFU protein (p.Ile291Thr). This variant is not present in population databases (gnomAD no frequency). This variant has not been reported in the literature in individuals affected with SUFU-related conditions. ClinVar contains an entry for this variant (Variation ID: 135280). Invitae Evidence Modeling of protein sequence and biophysical properties (such as structural, functional, and spatial information, amino acid conservation, physicochemical variation, residue mobility, and thermodynamic stability) indicates that this missense variant is not expected to disrupt SUFU protein function with a negative predictive value of 80%. In summary, the available evidence is currently insufficient to determine the role of this variant in disease. Therefore, it has been classified as a Variant of Uncertain Significance.

Ambry Genetics
Classification: Uncertain significance for Hereditary cancer-predisposing syndrome. Last evaluated: 2025-01-27. Review status: criteria provided, single submitter. Criteria: Ambry Variant Classification Scheme 2023. Collection method: clinical testing. Allele origin: germline.
Comment: The p.I291T variant (also known as c.872T>C), located in coding exon 7 of the SUFU gene, results from a T to C substitution at nucleotide position 872. The isoleucine at codon 291 is replaced by threonine, an amino acid with similar properties. This variant was identified in a cohort of 681 ancestrally diverse, healthy subjects (Bodian DL et al. PLoS One, 2014 Apr;9:e94554). This amino acid position is highly conserved in available vertebrate species. In addition, the in silico prediction for this alteration is inconclusive. Since supporting evidence is limited at this time, the clinical significance of this alteration remains unclear.

GeneDx
Classification: Uncertain significance. Last evaluated: 2023-04-14. Review status: criteria provided, single submitter. Criteria: GeneDx Variant Classification Process June 2021. Collection method: clinical testing. Allele origin: germline. Affected: yes.
Comment: Not observed at significant frequency in large population cohorts (gnomAD); In silico analysis supports that this missense variant does not alter protein structure/function; Identified in healthy individuals undergoing whole genome sequencing (Bodian et al., 2014); This variant is associated with the following publications: (PMID: 24311597, 24728327)

ITMI
No classification provided. Condition: AllHighlyPenetrant. Last evaluated: 2013-09-19. Review status: no classification provided. Collection method: reference population. Allele origin: germline. Not counted in ClinVar's aggregate classification.
Comment: Please see associated publication for description of ethnicities

Literature cited by the submitters: PubMed 24728327 (cited by Ambry Genetics and ITMI).

NM_016169.4(SUFU):c.872T>C (p.Ile291Thr)

Gene: SUFU (SUFU negative regulator of hedgehog signaling; plus strand). Cytogenetic location: 10q24.32.
Variant type: single nucleotide variant.
Coding change: c.872T>C on transcript NM_016169.4 (MANE Select); coding-DNA position 872, T replaced by C.
Protein change: p.Ile291Thr; replaces isoleucine 291 with threonine.
Molecular consequence: missense variant.
Genome position (GRCh38, 1-based): chr10:102,597,255, T>C. VCF-style: chr10-102597255-T-C. GRCh37 (hg19) VCF-style: chr10-104357012-T-C.
Other names: c.872T>C, p.Ile291Thr (NM_001178133.2); short protein forms I291T.
Identifiers: ClinVar variation 135280 (VCV000135280.16), dbSNP rs587778698, ClinGen allele CA162207.
Genomic context (GRCh38, chr10:102,597,255, plus strand): 5'-CCAAGTGTGCCTGGGATGACCTGAGCCGGCCCCCCGAGGATGACGAGGACAGCCGGAGCA[T>C]CTGCATCGGCACACAGCCCCGGCGACTCTCTGGCAAAGGTGGGAGCCATCACTCAGCATT-3'
Protein context (NP_057253.2, residues 281-301): PPEDDEDSRS[Ile291Thr]CIGTQPRRLS